The following is an entry in ClinVar:

ClinVar aggregate classification (germline): Pathogenic/Likely pathogenic. Review status: criteria provided, multiple submitters, no conflicts (2 of 4 stars). 5 submissions from 5 submitters: Pathogenic (3); Likely pathogenic (2). Last evaluated 2025-09-10.

Conditions:
Nemaline myopathy 2 (NEM2). Also called: Nemaline myopathy 2, autosomal recessive. Identifiers: MedGen C1850569, MONDO:0009725, OMIM 256030.
Arthrogryposis multiplex congenita 6. Identifiers: MedGen C5543431, MONDO:0030281, OMIM 619334.

gnomAD v4.1: 3 of 1,603,720 alleles (0.00019%); highest among the groups gnomAD compares: African/African-American, 0.0013%; no homozygotes.

Submissions (5):

Genomic Medicine Center of Excellence, King Faisal Specialist Hospital and Research Centre
Classification: Pathogenic for Nemaline myopathy 2. Last evaluated: 2025-09-10. Review status: criteria provided, single submitter. Criteria: ACMG Guidelines, 2015. Collection method: clinical testing. Allele origin: germline.

Natera, Inc.
Classification: Pathogenic for Nemaline myopathy type 2. Last evaluated: 2025-07-29. Review status: criteria provided, single submitter. Criteria: Natera Variant Classification Schema (03/2026). Collection method: clinical testing. Allele origin: germline.
Comment: The c.2647C>T variant in NEB is a nonsense variant predicted to introduce a stop codon at amino acid 883. This variant is expected to result in nonsense mediated decay, truncation, or a dysfunctional protein product. This variant is rare in the general population with a frequency below the threshold expected for the associated phenotype(s). This variant has been observed in one or more individuals affected with the associated recessive disease, as either homozygous or compound heterozygous with a second variant (PMID: 39194158). Given the available evidence, this variant is classified as Pathogenic.

Baylor Genetics
Classification: Likely pathogenic for Arthrogryposis multiplex congenita 6. Last evaluated: 2023-12-14. Review status: criteria provided, single submitter. Criteria: ACMG Guidelines, 2015. Collection method: clinical testing. Allele origin: unknown.

Labcorp Genetics (formerly Invitae), Labcorp
Classification: Pathogenic for Nemaline myopathy 2. Last evaluated: 2023-04-22. Review status: criteria provided, single submitter. Criteria: Invitae Variant Classification Sherloc (09022015). Collection method: clinical testing. Allele origin: germline.
Comment: For these reasons, this variant has been classified as Pathogenic. This sequence change creates a premature translational stop signal (p.Arg883*) in the NEB gene. It is expected to result in an absent or disrupted protein product. Loss-of-function variants in NEB are known to be pathogenic (PMID: 25205138). This variant is not present in population databases (gnomAD no frequency). This variant has not been reported in the literature in individuals affected with NEB-related conditions. ClinVar contains an entry for this variant (Variation ID: 933332).

Juno Genomics, Hangzhou Juno Genomics, Inc
Classification: Likely pathogenic for Arthrogryposis multiplex congenita 6; Nemaline myopathy 2. Review status: criteria provided, single submitter. Criteria: ACMG Guidelines, 2015. Collection method: clinical testing. Allele origin: germline.
Comment: Null variant in a gene where loss of function (LOF) is a known mechanism of disease.;Absent from controls (or at extremely low frequency if recessive) in Genome Aggregation Database.

Literature cited by the submitters: PubMed 39194158 (cited by Natera, Inc.); PubMed 25205138 (cited by Labcorp Genetics (formerly Invitae), Labcorp).

NM_001164508.2(NEB):c.2647C>T (p.Arg883Ter)

Gene: NEB (nebulin; minus strand). Cytogenetic location: 2q23.3.
Variant type: single nucleotide variant.
Coding change: c.2647C>T on transcript NM_001164508.2 (MANE Select); coding-DNA position 2647, C replaced by T.
Protein change: p.Arg883Ter; replaces arginine 883 with a stop codon.
Molecular consequence: nonsense.
Genome position (GRCh38, 1-based): chr2:151,684,966, G>A on the plus strand (C>T on the coding strand, the complement: NEB is on the minus strand). VCF-style: chr2-151684966-G-A. GRCh37 (hg19) VCF-style: chr2-152541480-G-A.
Other names: c.2647C>T, p.Arg883Ter (NM_001164507.2, NM_001271208.2, NM_004543.5); short protein forms R883*.
Identifiers: ClinVar variation 933332 (VCV000933332.13), dbSNP rs1333519240, ClinGen allele CA348822477.